The following is an entry in ClinVar:

NM_170707.4(LMNA):c.1560G>T (p.Trp520Cys)

Gene: LMNA (lamin A/C; plus strand). Cytogenetic location: 1q22.
Variant type: single nucleotide variant.
Coding change: c.1560G>T on transcript NM_170707.4 (MANE Select); coding-DNA position 1560, G replaced by T.
Protein change: p.Trp520Cys; replaces tryptophan 520 with cysteine.
Molecular consequence: missense variant.
Genome position (GRCh38, 1-based): chr1:156,137,184, G>T. VCF-style: chr1-156137184-G-T. GRCh37 (hg19) VCF-style: chr1-156106975-G-T.
Other names: c.1224G>T, p.Trp408Cys (NM_001257374.3, NM_001406989.1, NM_001406998.1); c.1317G>T, p.Trp439Cys (NM_001282624.2, NM_001406986.1, NM_001406987.1); c.1560G>T, p.Trp520Cys (NM_001282625.2, NM_001282626.2, NM_001406983.1 and 6 more transcripts); c.1263G>T, p.Trp421Cys (NM_001406988.1); c.1002G>T, p.Trp334Cys (NM_001406990.1, NM_001406993.1, NM_001406995.1 and 4 more transcripts); c.936G>T, p.Trp312Cys (NM_001406994.1, NM_001406999.1, NM_001407000.1 and 1 more transcripts); short protein forms W439C, W520C, W334C, W421C, W312C, W408C.
Identifiers: ClinVar variation 2734000 (VCV002734000.3), dbSNP rs794728595, ClinGen allele CA342823357.
Genomic context (GRCh38, chr1:156,137,184, plus strand): 5'-AGGAGCTGGGGCCACCCACAGCCCCCCTACCGACCTGGTGTGGAAGGCACAGAACACCTG[G>T]GGCTGCGGGAACAGCCTGCGTACGGCTCTCATCAACTCCACTGGGGAAGTAAGTAGGCCT-3'
Protein context (NP_733821.1, residues 510-530): TDLVWKAQNT[Trp520Cys]GCGNSLRTAL

ClinVar aggregate classification (germline): Likely pathogenic (1 of 4 stars; one submission).

Conditions:
Charcot-Marie-Tooth disease type 2. Also called: Charcot-Marie-Tooth type 2. Identifiers: Orphanet 64746, MedGen C0270914, MONDO:0018993.

Submission:

Labcorp Genetics (formerly Invitae), Labcorp
Classification: Likely pathogenic for Charcot-Marie-Tooth disease type 2. Last evaluated: 2023-02-06. Review status: criteria provided, single submitter. Criteria: Invitae Variant Classification Sherloc (09022015). Collection method: clinical testing. Allele origin: germline.
Comment: Advanced modeling of protein sequence and biophysical properties (such as structural, functional, and spatial information, amino acid conservation, physicochemical variation, residue mobility, and thermodynamic stability) performed at Invitae indicates that this missense variant is expected to disrupt LMNA protein function. This sequence change replaces tryptophan, which is neutral and slightly polar, with cysteine, which is neutral and slightly polar, at codon 520 of the LMNA protein (p.Trp520Cys). This variant is not present in population databases (gnomAD no frequency). This missense change has been observed in individual(s) with Emery-Dreifuss muscular dystrophy (PMID: 28688748). This variant disrupts the p.Trp520 amino acid residue in LMNA. Other variant(s) that disrupt this residue have been determined to be pathogenic (PMID: 25572245, 26098624, 29211919, 29770364). This suggests that this residue is clinically significant, and that variants that disrupt this residue are likely to be disease-causing. In summary, the currently available evidence indicates that the variant is pathogenic, but additional data are needed to prove that conclusively. Therefore, this variant has been classified as Likely Pathogenic.

Literature cited by the submitters: PubMed 28688748; PubMed 25572245; PubMed 26098624; PubMed 29211919; PubMed 29770364.